The following is an entry in ClinVar:

NM_006279.5(ST3GAL3):c.850C>T (p.Leu284Phe)

Gene: ST3GAL3 (ST3 beta-galactoside alpha-2,3-sialyltransferase 3; plus strand). Cytogenetic location: 1p34.1.
Variant type: single nucleotide variant.
Coding change: c.850C>T on transcript NM_006279.5 (MANE Select); coding-DNA position 850, C replaced by T.
Protein change: p.Leu284Phe; replaces leucine 284 with phenylalanine.
Molecular consequence: missense variant. On other transcripts: non-coding transcript variant (6), intron variant (11).
Genome position (GRCh38, 1-based): chr1:43,920,509, C>T. VCF-style: chr1-43920509-C-T. GRCh37 (hg19) VCF-style: chr1-44386181-C-T.
Other names: c.760C>T, p.Leu254Phe (NM_001270459.2); c.757C>T, p.Leu253Phe (NM_001270460.2); c.895C>T, p.Leu299Phe (NM_001350619.2, NM_174964.4); c.850C>T, p.Leu284Phe (NM_001350620.2); c.571C>T, p.Leu191Phe (NM_001350621.2); c.1057C>T, p.Leu353Phe (NM_174963.5); c.1012C>T, p.Leu338Phe (NM_174968.5); c.802C>T, p.Leu268Phe (NM_174969.4); and 12 more; short protein forms L253F, L268F, L299F, L191F, L254F, L284F, L322F, L338F.
Identifiers: ClinVar variation 969625 (VCV000969625.10), dbSNP rs2082848019, ClinGen allele CA340032159.
Genomic context (GRCh38, chr1:43,920,509, plus strand): 5'-AAGGAGCCCCCTGAGATTCGAATCCTCAACCCATATTTCATCCAGGAGGCCGCCTTCACC[C>T]TCATTGGCCTGCCCTTCAACAATGGCCTCATGGGCCGGGGGGTGAGATATCTGGGCCCTG-3'
Protein context (NP_006270.1, residues 274-294): PYFIQEAAFT[Leu284Phe]IGLPFNNGLM

ClinVar aggregate classification (germline): Uncertain significance (1 of 4 stars; one submission).

Conditions:
Early-infantile DEE. Also called: Ohtahara syndrome; Early infantile epileptic encephalopathy with suppression bursts; Early infantile epileptic encephalopathy. Identifiers: Orphanet 1934, MedGen C0393706, MONDO:0800491.

Allele frequency attached by ClinVar (database versions not stated): gnomAD exomes below 0.00001; gnomAD 0.00001.
gnomAD v4.1: 2 of 1,614,082 alleles (0.00012%); highest among the groups gnomAD compares: African/African-American, 0.0027%; no homozygotes.

Submission:

Labcorp Genetics (formerly Invitae), Labcorp
Classification: Uncertain significance for Early-infantile DEE. Last evaluated: 2019-11-07. Review status: criteria provided, single submitter. Criteria: Invitae Variant Classification Sherloc (09022015). Collection method: clinical testing. Allele origin: germline.
Comment: This sequence change replaces leucine with phenylalanine at codon 284 of the ST3GAL3 protein (p.Leu284Phe). The leucine residue is moderately conserved and there is a small physicochemical difference between leucine and phenylalanine. This variant is not present in population databases (ExAC no frequency). This variant has not been reported in the literature in individuals with ST3GAL3-related conditions. Algorithms developed to predict the effect of missense changes on protein structure and function output the following: SIFT: "Tolerated"; PolyPhen-2: "Benign"; Align-GVGD: "Class C0". The phenylalanine amino acid residue is found in multiple mammalian species, suggesting that this missense change does not adversely affect protein function. These predictions have not been confirmed by published functional studies and their clinical significance is uncertain. In summary, the available evidence is currently insufficient to determine the role of this variant in disease. Therefore, it has been classified as a Variant of Uncertain Significance.